The following is an entry in ClinVar:

ClinVar aggregate classification (germline): Uncertain significance (1 of 4 stars; one submission).

Conditions:
Granulomatous disease, chronic, autosomal recessive, cytochrome b-negative. Also called: GRANULOMATOUS DISEASE, CHRONIC, AUTOSOMAL RECESSIVE, 4; Chronic granulomatous disease, autosomal, due to deficiency of CYBA; CGD DUE TO DEFICIENCY OF THE ALPHA SUBUNIT OF CYTOCHROME b; CGD, AUTOSOMAL RECESSIVE CYTOCHROME b-NEGATIVE; CYBA DEFICIENCY. Identifiers: Orphanet 379, MedGen C1856255, MONDO:0009308, OMIM 233690.

Submission:

Labcorp Genetics (formerly Invitae), Labcorp
Classification: Uncertain significance for Granulomatous disease, chronic, autosomal recessive, cytochrome b-negative. Last evaluated: 2021-08-27. Review status: criteria provided, single submitter. Criteria: Invitae Variant Classification Sherloc (09022015). Collection method: clinical testing. Allele origin: germline.
Comment: This sequence change falls in intron 4 of the CYBA gene. It does not directly change the encoded amino acid sequence of the CYBA protein. It affects a nucleotide within the consensus splice site of the intron. The frequency data for this variant in the population databases is considered unreliable, as metrics indicate poor data quality at this position in the ExAC database. This variant has not been reported in the literature in individuals affected with CYBA-related conditions. Variants that disrupt the consensus splice site are a relatively common cause of aberrant splicing (PMID: 17576681, 9536098). Algorithms developed to predict the effect of sequence changes on RNA splicing suggest that this variant is not likely to affect RNA splicing. In summary, the available evidence is currently insufficient to determine the role of this variant in disease. Therefore, it has been classified as a Variant of Uncertain Significance.

Literature cited by the submitters: PubMed 17576681; PubMed 9536098.

NM_000101.4(CYBA):c.288-3del

Gene: CYBA (cytochrome b-245 alpha chain; minus strand). Cytogenetic location: 16q24.2.
Variant type: Deletion.
Coding change: c.288-3del on transcript NM_000101.4 (MANE Select); 3 bases into the intron before coding-DNA position 288, one base deleted (C; older notation c.288-3delC).
Molecular consequence: intron variant.
Genome position (GRCh38, 1-based): chr16:88,646,200, G deleted on the plus strand (C on the coding strand, the reverse complement: CYBA is on the minus strand); the first of 5 consecutive G bases (chr16:88,646,200-88,646,204); deleting any one gives the same sequence. VCF-style (leftmost placement, unchanged base first): chr16-88646199-TG-T. GRCh37 (hg19) VCF-style: chr16-88712607-TG-T.
Identifiers: ClinVar variation 950349 (VCV000950349.6), dbSNP rs777808025, ClinGen allele CA8228271.